The following is an entry in ClinVar:

NM_004482.4(GALNT3):c.692A>G (p.Tyr231Cys)

Gene: GALNT3 (polypeptide N-acetylgalactosaminyltransferase 3; minus strand). Cytogenetic location: 2q24.3.
Variant type: single nucleotide variant.
Coding change: c.692A>G on transcript NM_004482.4 (MANE Select); coding-DNA position 692, A replaced by G.
Protein change: p.Tyr231Cys; replaces tyrosine 231 with cysteine.
Molecular consequence: missense variant.
Genome position (GRCh38, 1-based): chr2:165,762,051, T>C on the plus strand (A>G on the coding strand, the complement: GALNT3 is on the minus strand). VCF-style: chr2-165762051-T-C. GRCh37 (hg19) VCF-style: chr2-166618561-T-C.
Other names: c.692A>G (NM_004482.3); short protein forms Y231C.
Identifiers: ClinVar variation 1428422 (VCV001428422.4), dbSNP rs376216552, ClinGen allele CA1941144.
Genomic context (GRCh38, chr2:165,762,051, plus strand): 5'-TGTCTGACTATTTTTACTATAGAAAATTGTTTTACATATTCATCTAGTTTATCATGTAAG[T>C]ACTCTGTAAGGAAAAAAAATCAGGGTTAATTCTTTCTAAATGCATTTTCATATATAGCTT-3'
Protein context (NP_004473.2, residues 221-241): ILVDDASVDE[Tyr231Cys]LHDKLDEYVK

ClinVar aggregate classification (germline): Uncertain significance. Review status: criteria provided, multiple submitters, no conflicts (2 of 4 stars). 2 submissions from 2 submitters: Uncertain significance (2). Last evaluated 2025-03-07.

Conditions:
Inborn genetic diseases. Identifiers: MedGen C0950123, MeSH D030342.

Allele frequency attached by ClinVar (database versions not stated): ESP Exome Variant Server 0.00008; gnomAD exomes below 0.00001 and 0.00001; ExAC 0.00002.
gnomAD v4.1: 1 of 1,544,540 alleles (0.000065%); highest among the groups gnomAD compares: Non-Finnish European, 0.000089%; no homozygotes.

Submissions (2):

Ambry Genetics
Classification: Uncertain significance for Inborn genetic diseases. Last evaluated: 2025-03-07. Review status: criteria provided, single submitter. Criteria: Ambry Variant Classification Scheme 2023. Collection method: clinical testing. Allele origin: germline.

Labcorp Genetics (formerly Invitae), Labcorp
Classification: Uncertain significance. Last evaluated: 2021-09-03. Review status: criteria provided, single submitter. Criteria: Invitae Variant Classification Sherloc (09022015). Collection method: clinical testing. Allele origin: germline.
Comment: This sequence change replaces tyrosine with cysteine at codon 231 of the GALNT3 protein (p.Tyr231Cys). The tyrosine residue is moderately conserved and there is a large physicochemical difference between tyrosine and cysteine. This variant is present in population databases (rs376216552, ExAC 0.003%). This variant has not been reported in the literature in individuals affected with GALNT3-related conditions. Algorithms developed to predict the effect of missense changes on protein structure and function (SIFT, PolyPhen-2, Align-GVGD) all suggest that this variant is likely to be tolerated. In summary, the available evidence is currently insufficient to determine the role of this variant in disease. Therefore, it has been classified as a Variant of Uncertain Significance.